The following is an entry in ClinVar:

NM_013975.4(LIG3):c.2653_2654del (p.Leu884_Ser885insTer)

Gene: LIG3 (DNA ligase 3; plus strand). Cytogenetic location: 17q12.
Variant type: Deletion.
Coding change: c.2653_2654del on transcript NM_013975.4 (MANE Select); coding-DNA positions 2653 to 2654, 2 bases deleted (AG; older notation c.2653_2654delAG).
Protein change: p.Leu884_Ser885insTer.
Molecular consequence: nonsense.
Genome position (GRCh38, 1-based): chr17:35,002,083-35,002,084, AG deleted; deleting any 2 consecutive bases within chr17:35,002,082-35,002,084 gives the same sequence; the c. name uses the placement nearest the transcript's 3' end. VCF-style (leftmost placement, unchanged base first): chr17-35002081-TGA-T. GRCh37 (hg19) VCF-style: chr17-33329100-TGA-T.
Other names: c.2653_2654del, p.Leu884_Ser885insTer (NM_002311.5).
Identifiers: ClinVar variation 1699182 (VCV001699182.3), dbSNP rs2142286963, ClinGen allele CA2573050721.

ClinVar aggregate classification (germline): Likely pathogenic (1 of 4 stars; one submission).

Conditions:
Mitochondrial DNA depletion syndrome 20 (mngie type). Also called: MITOCHONDRIAL NEUROGASTROINTESTINAL ENCEPHALOMYOPATHY SYNDROME, LIG3-RELATED. Identifiers: MedGen C5676934, MONDO:0030696, OMIM 619780.

Submission:

Victorian Clinical Genetics Services, Murdoch Childrens Research Institute
Classification: Likely pathogenic for Mitochondrial DNA depletion syndrome 20 (mngie type). Last evaluated: 2022-02-02. Review status: criteria provided, single submitter. Criteria: ACMG Guidelines, 2015. Collection method: clinical testing. Allele origin: germline. Inheritance: Autosomal recessive inheritance. Affected: yes.
Comment: Based on the classification scheme VCGS_Germline_v1.3.4, this variant is classified as Likely Pathogenic. Following criteria are met: 0102 - Loss of function is a known mechanism of disease in this gene and is associated with mitochondrial neurogastrointestinal encephalomyopathy (PMID: 33855352). (I) 0106 - This gene is associated with autosomal recessive disease. (I) 0201 - Variant is predicted to cause nonsense-mediated decay (NMD) and loss of protein (premature termination codon is located at least 54 nucleotides upstream of the final exon-exon junction). (SP) 0251 - This variant is heterozygous. (I) 0301 - Variant is absent from gnomAD (both v2 and v3). (SP) 0703 - Other NMD-predicted variants comparable to the one identified in this case have moderate previous evidence for pathogenicity. Only two others have been reported in affected individuals thus far (PMID: 33855352). (SP) 0807 - This variant has no previous evidence of pathogenicity. (I) 0905 - No published segregation evidence has been identified for this variant. (I) 1007 - No published functional evidence has been identified for this variant. (I) 1208 - Inheritance information for this variant is not currently available in this individual. (I) Legend: (SP) - Supporting pathogenic, (I) - Information, (SB) - Supporting benign

Literature cited by the submitters: PubMed 33855352.